The following is an entry in ClinVar:

NM_003001.5(SDHC):c.293C>G (p.Ser98Cys)

Gene: SDHC (succinate dehydrogenase complex subunit C; plus strand). Cytogenetic location: 1q23.3.
Variant type: single nucleotide variant.
Coding change: c.293C>G on transcript NM_003001.5 (MANE Select); coding-DNA position 293, C replaced by G.
Protein change: p.Ser98Cys; replaces serine 98 with cysteine.
Molecular consequence: missense variant. On other transcripts: non-coding transcript variant (1), intron variant (3).
Genome position (GRCh38, 1-based): chr1:161,356,728, C>G. VCF-style: chr1-161356728-C-G. GRCh37 (hg19) VCF-style: chr1-161326518-C-G.
Other names: c.191C>G, p.Ser64Cys (NM_001035512.3); c.134C>G, p.Ser45Cys (NM_001035513.3); c.413C>G, p.Ser138Cys (NM_001407115.1); c.236C>G, p.Ser79Cys (NM_001407116.1); c.230C>G, p.Ser77Cys (NM_001407117.1); c.185C>G, p.Ser62Cys (NM_001407118.1); c.182C>G, p.Ser61Cys (NM_001407119.1, NM_001407120.1); c.242-5601C>G (NM_001035511.3); and 2 more; short protein forms S138C, S45C, S61C, S62C, S64C, S77C, S79C, S98C.
Identifiers: ClinVar variation 3223029 (VCV003223029.2), dbSNP rs2526536377, ClinGen allele CA343456384.

ClinVar aggregate classification (germline): Uncertain significance (1 of 4 stars; one submission).

Conditions:
Hereditary cancer-predisposing syndrome. Also called: Tumor predisposition; Hereditary Cancer Syndrome; Hereditary neoplastic syndrome; Neoplastic Syndromes, Hereditary. Identifiers: Orphanet 140162, MedGen C0027672, MeSH D009386, MONDO:0015356.

Submission:

Ambry Genetics
Classification: Uncertain significance for Hereditary cancer-predisposing syndrome. Last evaluated: 2025-12-18. Review status: criteria provided, single submitter. Criteria: Ambry Variant Classification Scheme 2023. Collection method: clinical testing. Allele origin: germline.
Comment: The p.S98C variant (also known as c.293C>G), located in coding exon 5 of the SDHC gene, results from a C to G substitution at nucleotide position 293. The serine at codon 98 is replaced by cysteine, an amino acid with dissimilar properties. This amino acid position is well conserved in available vertebrate species. In addition, the in silico prediction for this alteration is inconclusive. Based on the available evidence, the clinical significance of this variant remains unclear.